The following is an entry in ClinVar:

ClinVar aggregate classification (germline): Pathogenic. Review status: criteria provided, multiple submitters, no conflicts (2 of 4 stars). 5 submissions from 5 submitters: Pathogenic (4). 1 of the submissions does not count toward it. Last evaluated 2026-09-08.

Conditions:
Autism spectrum disorder due to AUTS2 deficiency (MRD26). Also called: INTELLECTUAL DEVELOPMENTAL DISORDER, AUTOSOMAL DOMINANT 26. Identifiers: Orphanet 352490, MedGen C4014435, MONDO:0014361, OMIM 615834.
Intellectual disability. Also called: intellectual disabilities; Intellectual functioning disability; Intellectual developmental disorder. Identifiers: MedGen C3714756, MeSH D008607, MONDO:0001071, HP:0001249.

Submissions (5):

GeneDx
Classification: Pathogenic. Last evaluated: 2026-09-08. Review status: criteria provided, single submitter. Criteria: GeneDx Variant Classification Process June 2021. Collection method: clinical testing. Allele origin: germline.
Comment: Nonsense variant predicted to result in protein truncation or nonsense mediated decay in a gene for which loss of function is a known mechanism of disease; Not observed at significant frequency in large population cohorts (gnomAD); This variant is associated with the following publications: (PMID: 35982159, 34637754, 38958063, 35982160, 33057194, 37086723, 40317680)

Labcorp Genetics (formerly Invitae), Labcorp
Classification: Pathogenic. Last evaluated: 2022-11-28. Review status: criteria provided, single submitter. Criteria: Invitae Variant Classification Sherloc (09022015). Collection method: clinical testing. Allele origin: germline.
Comment: This variant is not present in population databases (gnomAD no frequency). This variant has not been reported in the literature in individuals affected with AUTS2-related conditions. ClinVar contains an entry for this variant (Variation ID: 372310). Algorithms developed to predict the effect of sequence changes on RNA splicing suggest that this variant may create or strengthen a splice site. For these reasons, this variant has been classified as Pathogenic. This sequence change creates a premature translational stop signal (p.Arg495*) in the AUTS2 gene. It is expected to result in an absent or disrupted protein product. Loss-of-function variants in AUTS2 are known to be pathogenic (PMID: 25205402, 27075013).

MVZ Martinsried, Medicover Genetics
Classification: Pathogenic for Autism spectrum disorder due to AUTS2 deficiency. Last evaluated: 2022-05-02. Review status: criteria provided, single submitter. Criteria: ACGS Guidelines, 2020. Collection method: clinical testing. Allele origin: de novo. Affected: yes.

Institute of Human Genetics, University of Leipzig Medical Center
Classification: Pathogenic for Autism spectrum disorder due to AUTS2 deficiency. Last evaluated: 2022-02-10. Review status: criteria provided, single submitter. Criteria: ACMG Guidelines, 2015. Collection method: clinical testing. Allele origin: de novo. Affected: yes.
Comment: This variant was identified as de novo (maternity and paternity confirmed)._x000D_ Criteria applied: PVS1, PS2_MOD, PS4_SUP, PM2_SUP

Diagnostic Laboratory, Strasbourg University Hospital
Classification: Uncertain significance for Intellectual disability. Last evaluated: 2020-09-10. Review status: flagged submission. Criteria: ACMG Guidelines, 2015. Collection method: clinical testing. Allele origin: de novo. Affected: yes. Observed: 1 heterozygote. Not counted in ClinVar's aggregate classification.
ClinVar note: Reason: Outlier claim with insufficient supporting evidence

Literature cited by the submitters: PubMed 25205402 (cited by Labcorp Genetics (formerly Invitae), Labcorp); PubMed 27075013 (cited by Labcorp Genetics (formerly Invitae), Labcorp).

NM_015570.4(AUTS2):c.1483C>T (p.Arg495Ter)

Gene: AUTS2 (activator of transcription and developmental regulator AUTS2; plus strand). Cytogenetic location: 7q11.22.
Variant type: single nucleotide variant.
Coding change: c.1483C>T on transcript NM_015570.4 (MANE Select); coding-DNA position 1483, C replaced by T.
Protein change: p.Arg495Ter; replaces arginine 495 with a stop codon.
Molecular consequence: nonsense.
Genome position (GRCh38, 1-based): chr7:70,766,128, C>T. VCF-style: chr7-70766128-C-T. GRCh37 (hg19) VCF-style: chr7-70231114-C-T.
Other names: c.1483C>T, p.Arg495Ter (NM_001127231.3); short protein forms R495*.
Identifiers: ClinVar variation 372310 (VCV000372310.13), dbSNP rs1057517708, ClinGen allele CA16042597.